The following is an entry in ClinVar:

NM_000059.4(BRCA2):c.7816_7819dup (p.Thr2607fs)

Gene: BRCA2 (BRCA2 DNA repair associated; plus strand). Cytogenetic location: 13q13.1.
Variant type: Duplication.
Coding change: c.7816_7819dup on transcript NM_000059.4 (MANE Select); coding-DNA positions 7816 to 7819, 4 bases duplicated (GACA; older notation c.7816_7819dupGACA).
Protein change: p.Thr2607fs; shifts the reading frame from threonine 2607.
Molecular consequence: frameshift variant.
Genome position (GRCh38, 1-based): chr13:32,362,533-32,362,536, GACA duplicated. VCF-style (leftmost placement, unchanged base first): chr13-32362532-T-TGACA. GRCh37 (hg19) VCF-style: chr13-32936669-T-TGACA.
Other names: 8047ins4; c.7816_7819dupGACA (NM_000059.3); short protein forms T2607fs.
Identifiers: ClinVar variation 126160 (VCV000126160.18), dbSNP rs80359684, ClinGen allele CA025297.

ClinVar aggregate classification (germline): Pathogenic. Review status: reviewed by expert panel (3 of 4 stars). 7 submissions from 7 submitters: Pathogenic (1). 6 of the submissions do not count toward it. Last evaluated 2016-09-08.

Conditions:
BRCA2-related disorder. Also called: BRCA2-related condition; BRCA2-related disorders. Identifiers: MedGen CN239275.
Hereditary cancer-predisposing syndrome. Also called: Tumor predisposition; Hereditary Cancer Syndrome; Neoplastic Syndromes, Hereditary; Hereditary neoplastic syndrome. Identifiers: Orphanet 140162, MedGen C0027672, MeSH D009386, MONDO:0015356.
Hereditary breast ovarian cancer syndrome. Also called: Hereditary breast and ovarian cancer; Hereditary breast and/or ovarian cancer syndrome; BRCA1- and BRCA2-Associated Hereditary Breast and Ovarian Cancer; Hereditary breast and ovarian cancer syndrome; Hereditary breast and ovarian cancer syndrome (HBOC); Breast and ovarian cancer. Identifiers: Orphanet 145, MedGen C0677776, MeSH D061325, MONDO:0003582. Disease mechanism: loss of function.
Breast-ovarian cancer, familial, susceptibility to, 2 (BROVCA2). Also called: BRCA2 Hereditary Breast and Ovarian Cancer. Identifiers: Orphanet 145, MedGen C2675520, MONDO:0012933, OMIM 612555. Disease mechanism: loss of function.

Submissions (7):

Evidence-based Network for the Interpretation of Germline Mutant Alleles (ENIGMA)
Classification: Pathogenic for Breast-ovarian cancer, familial, susceptibility to, 2. Last evaluated: 2016-09-08. Review status: reviewed by expert panel. Criteria: ENIGMA BRCA1/2 Classification Criteria (2015). Collection method: curation. Allele origin: germline.
Comment: Variant allele predicted to encode a truncated non-functional protein.

Labcorp Genetics (formerly Invitae), Labcorp
Classification: Pathogenic for Hereditary breast ovarian cancer syndrome. Last evaluated: 2024-05-04. Review status: criteria provided, single submitter. Criteria: Invitae Variant Classification Sherloc (09022015). Collection method: clinical testing. Allele origin: germline. Not counted in ClinVar's aggregate classification.
Comment: This sequence change creates a premature translational stop signal (p.Thr2607Argfs*12) in the BRCA2 gene. It is expected to result in an absent or disrupted protein product. Loss-of-function variants in BRCA2 are known to be pathogenic (PMID: 20104584). This variant is not present in population databases (gnomAD no frequency). This premature translational stop signal has been observed in individual(s) with a personal or family history of breast and/or ovarian cancer (PMID: 24156927). ClinVar contains an entry for this variant (Variation ID: 126160). For these reasons, this variant has been classified as Pathogenic.

Rady Children's Institute for Genomic Medicine, Rady Children's Hospital San Diego
Classification: Pathogenic for BRCA2-related disorders. Last evaluated: 2024-02-20. Review status: criteria provided, single submitter. Criteria: ACMG Guidelines, 2015. Collection method: clinical testing. Allele origin: germline. Affected: yes. Not counted in ClinVar's aggregate classification.
Comment: This frameshifting variant in exon 17 of 28 is predicted to result in loss of normal protein function through either protein truncation or nonsense-mediated mRNA decay. Loss-of-function variation in BRCA2 is an established mechanism of disease (PMID: 20301425). This variant has been previously reported as a change present in individual(s) with a personal or family history of breast cancer and/or ovarian cancer (PMID: 24156927). The c.7816_7819dup (p.Thr2607ArgfsTer12) variant is absent from the gnomAD v4 population database and thus is presumed to be rare. Based on the available evidence, c.7816_7819dup (p.Thr2607ArgfsTer12) is classified as Pathogenic.

GeneDx
Classification: Pathogenic. Last evaluated: 2022-12-05. Review status: criteria provided, single submitter. Criteria: GeneDx Variant Classification Process June 2021. Collection method: clinical testing. Allele origin: germline. Affected: yes. Not counted in ClinVar's aggregate classification.
Comment: Frameshift variant predicted to result in protein truncation or nonsense mediated decay in a gene for which loss of function is a known mechanism of disease; Observed in an individual with a personal or family history of breast and/or ovarian cancer (Tea et al., 2014); Not observed at significant frequency in large population cohorts (gnomAD); Truncating variants in this gene are considered pathogenic by a well-established clinical consortium and/or database; Also known as 8044_8047dup; This variant is associated with the following publications: (PMID: 24156927)

Ambry Genetics
Classification: Pathogenic for Hereditary cancer-predisposing syndrome. Last evaluated: 2022-07-27. Review status: criteria provided, single submitter. Criteria: Ambry Variant Classification Scheme 2023. Collection method: clinical testing. Allele origin: germline. Not counted in ClinVar's aggregate classification.
Comment: The c.7816_7819dupGACA pathogenic mutation, located in coding exon 16 of the BRCA2 gene, results from a duplication of GACA at nucleotide position 7816, causing a translational frameshift with a predicted alternate stop codon (p.T2607Rfs*12). This variant is considered to be rare based on population cohorts in the Genome Aggregation Database (gnomAD). This alteration is expected to result in loss of function by premature protein truncation or nonsense-mediated mRNA decay. As such, this alteration is interpreted as a disease-causing mutation.

Consortium of Investigators of Modifiers of BRCA1/2 (CIMBA), c/o University of Cambridge
Classification: Pathogenic for Breast-ovarian cancer, familial, susceptibility to, 2. Last evaluated: 2015-10-02. Review status: criteria provided, single submitter. Criteria: CIMBA Mutation Classification guidelines May 2016. Collection method: clinical testing. Allele origin: germline. Not counted in ClinVar's aggregate classification.

Breast Cancer Information Core (BIC) (BRCA2)
Classification: Pathogenic for Breast-ovarian cancer, familial 2. Last evaluated: 2002-05-29. Review status: no assertion criteria provided. Collection method: clinical testing. Allele origin: germline. Affected: yes. Observed: 2 variant alleles. Not counted in ClinVar's aggregate classification.

Literature cited by the submitters: PubMed 20104584 (cited by Labcorp Genetics (formerly Invitae), Labcorp); PubMed 24156927 (cited by Labcorp Genetics (formerly Invitae), Labcorp).